The following is an entry in ClinVar:

ClinVar aggregate classification (germline): Uncertain significance. Review status: criteria provided, multiple submitters, no conflicts (2 of 4 stars). 4 submissions from 3 submitters: Uncertain significance (4). Last evaluated 2024-12-17.

Conditions:
Spherocytosis. Identifiers: MedGen C0553720, HP:0004444.
Hereditary spherocytosis type 1. Also called: Spherocytosis type 1; ANK1-Related Spherocytosis. Identifiers: Orphanet 822, MedGen C2674218, MONDO:0008447, OMIM 182900.

Allele frequency attached by ClinVar (database versions not stated): TOPMed below 0.00001; gnomAD 0.00001; gnomAD exomes 0.00001; ExAC 0.00002; ESP Exome Variant Server 0.00008.
gnomAD v4.1: 41 of 1,614,100 alleles (0.0025%); highest among the groups gnomAD compares: Non-Finnish European, 0.0034%; no homozygotes.

Submissions (4):

Mayo Clinic Laboratories, Mayo Clinic
Classification: Uncertain significance. Last evaluated: 2024-12-17. Review status: criteria provided, single submitter. Criteria: ACMG Guidelines, 2015. Collection method: clinical testing. Allele origin: germline. Observed: 1 variant allele.
Comment: PM2_supporting

Revvity Omics, Revvity
Classification: Uncertain significance for Hereditary spherocytosis type 1. Last evaluated: 2024-04-26. Review status: criteria provided, single submitter. Criteria: ACMG Guidelines, 2015. Collection method: clinical testing. Allele origin: germline.

Illumina Laboratory Services, Illumina
Classification: Uncertain significance for Hereditary spherocytosis type 1. Last evaluated: 2018-01-12. Review status: criteria provided, single submitter. Criteria: ICSL Variant Classification Criteria 13 December 2019. Collection method: clinical testing. Allele origin: germline.

Illumina Laboratory Services, Illumina
Classification: Uncertain significance for Spherocytosis. Last evaluated: 2018-01-12. Review status: criteria provided, single submitter. Criteria: ICSL Variant Classification Criteria 13 December 2019. Collection method: clinical testing. Allele origin: germline.

NM_000037.4(ANK1):c.1056G>C (p.Arg352Ser)

Gene: ANK1 (ankyrin 1; minus strand). Cytogenetic location: 8p11.21.
Variant type: single nucleotide variant.
Coding change: c.1056G>C on transcript NM_000037.4 (MANE Select); coding-DNA position 1056, G replaced by C.
Protein change: p.Arg352Ser; replaces arginine 352 with serine.
Molecular consequence: missense variant.
Genome position (GRCh38, 1-based): chr8:41,719,712, C>G on the plus strand (G>C on the coding strand, the complement: ANK1 is on the minus strand). VCF-style: chr8-41719712-C-G. GRCh37 (hg19) VCF-style: chr8-41577230-C-G.
Other names: p.Arg352Ser; c.1155G>C, p.Arg385Ser (NM_001142446.2); c.1056G>C, p.Arg352Ser (NM_020475.3, NM_020476.3, NM_020477.3); short protein forms R352S, R385S.
Identifiers: ClinVar variation 363038 (VCV000363038.7), dbSNP rs375151253, ClinGen allele CA4728761.
Genomic context (GRCh38, chr8:41,719,712, plus strand): 5'-CCCACTCACCAGGGCTCTGGAGTTGGGTTTGGCCCCTTTATCCAGAAGGACCTTAGCCAC[C>G]CTGTGGTGTCCACAGTGGGCAGCCACGTGGAGTGGGGTCAGGTGGTCCAGGGTGATGTCG-3'
Protein context (NP_000028.3, residues 342-362): LHVAAHCGHH[Arg352Ser]VAKVLLDKGA